The following is an entry in ClinVar:

ClinVar aggregate classification (germline): Uncertain significance (1 of 4 stars; one submission).

Conditions:
Fanconi anemia complementation group O. Also called: RAD51C-Related Fanconi Anemia. Identifiers: Orphanet 84, MedGen C3150653, MONDO:0013248, OMIM 613390.

Submission:

Labcorp Genetics (formerly Invitae), Labcorp
Classification: Uncertain significance for Fanconi anemia complementation group O. Last evaluated: 2023-01-30. Review status: criteria provided, single submitter. Criteria: Invitae Variant Classification Sherloc (09022015). Collection method: clinical testing. Allele origin: germline.
Comment: This variant has not been reported in the literature in individuals affected with RAD51C-related conditions. Algorithms developed to predict the effect of missense changes on protein structure and function (SIFT, PolyPhen-2, Align-GVGD) all suggest that this variant is likely to be tolerated. In summary, the available evidence is currently insufficient to determine the role of this variant in disease. Therefore, it has been classified as a Variant of Uncertain Significance. This variant is not present in population databases (gnomAD no frequency). This sequence change replaces tyrosine, which is neutral and polar, with phenylalanine, which is neutral and non-polar, at codon 75 of the RAD51C protein (p.Tyr75Phe).

NM_058216.3(RAD51C):c.224A>T (p.Tyr75Phe)

Gene: RAD51C (RAD51 paralog C; plus strand). Cytogenetic location: 17q22.
Variant type: single nucleotide variant.
Coding change: c.224A>T on transcript NM_058216.3 (MANE Select); coding-DNA position 224, A replaced by T.
Protein change: p.Tyr75Phe; replaces tyrosine 75 with phenylalanine.
Molecular consequence: missense variant. On other transcripts: non-coding transcript variant (2).
Genome position (GRCh38, 1-based): chr17:58,695,009, A>T. VCF-style: chr17-58695009-A-T. GRCh37 (hg19) VCF-style: chr17-56772370-A-T.
Other names: c.224A>T, p.Tyr75Phe (NM_002876.4, NM_058217.1); short protein forms Y75F.
Identifiers: ClinVar variation 2833052 (VCV002833052.3), dbSNP rs2047945655, ClinGen allele CA400340170.
Genomic context (GRCh38, chr17:58,695,009, plus strand): 5'-CAGAAGCCTTAGAAACTCTGCAAATTATCAGAAGAGAATGTCTCACAAATAAACCAAGAT[A>T]TGCTGGTACATCTGAGTCACACAAGAAGTGTACAGCACTGGAACTTCTTGAGCAGGAGCA-3'
Protein context (NP_478123.1, residues 65-85): RRECLTNKPR[Tyr75Phe]AGTSESHKKC